The following is an entry in ClinVar:

NM_001130009.3(GEN1):c.290C>T (p.Ser97Phe)

Gene: GEN1 (GEN1 Holliday junction 5' flap endonuclease; plus strand). Cytogenetic location: 2p24.2.
Variant type: single nucleotide variant.
Coding change: c.290C>T on transcript NM_001130009.3 (MANE Select); coding-DNA position 290, C replaced by T.
Protein change: p.Ser97Phe; replaces serine 97 with phenylalanine.
Molecular consequence: missense variant.
Genome position (GRCh38, 1-based): chr2:17,761,524, C>T. VCF-style: chr2-17761524-C-T. GRCh37 (hg19) VCF-style: chr2-17942791-C-T.
Other names: c.290C>T, p.Ser97Phe (NM_182625.5); short protein forms S97F.
Identifiers: ClinVar variation 4263058 (VCV004263058.1).
Genomic context (GRCh38, chr2:17,761,524, plus strand): 5'-AACCACCAAAGCTGAAAGCTGATGTCATAAGCAAGAGGAATCAGTCTCGGTATGGGTCTT[C>T]TGGAAAATCGTGGTCTCAGAAAACAGGGAGATCACATTTTAAATCAGTCTTAAGAGAGGT-3'
Protein context (NP_001123481.3, residues 87-107): SKRNQSRYGS[Ser97Phe]GKSWSQKTGR

ClinVar aggregate classification (germline): Uncertain significance (1 of 4 stars; one submission).

gnomAD v4.1: 9 of 1,613,170 alleles (0.00056%); highest among the groups gnomAD compares: Non-Finnish European, 0.00076%; no homozygotes.

Submission:

Ambry Genetics
Classification: Uncertain significance. Last evaluated: 2025-08-02. Review status: criteria provided, single submitter. Criteria: Ambry Variant Classification Scheme 2023. Collection method: clinical testing. Allele origin: germline.
Comment: The p.S97F variant (also known as c.290C>T), located in coding exon 2 of the GEN1 gene, results from a C to T substitution at nucleotide position 290. The serine at codon 97 is replaced by phenylalanine, an amino acid with highly dissimilar properties. This amino acid position is conserved. In addition, this alteration is predicted to be tolerated by in silico analysis. Based on the available evidence, the clinical significance of this variant remains unclear.